The following is an entry in ClinVar:

NM_000069.3(CACNA1S):c.2158-2A>G

Gene: CACNA1S (calcium voltage-gated channel subunit alpha1 S; minus strand). Cytogenetic location: 1q32.1.
Variant type: single nucleotide variant.
Coding change: c.2158-2A>G on transcript NM_000069.3 (MANE Select); the canonical splice acceptor site of the intron before coding-DNA position 2158, A replaced by G.
Molecular consequence: splice acceptor variant.
Genome position (GRCh38, 1-based): chr1:201,072,826, T>C on the plus strand (A>G on the coding strand, the complement: CACNA1S is on the minus strand). VCF-style: chr1-201072826-T-C. GRCh37 (hg19) VCF-style: chr1-201041954-T-C.
Identifiers: ClinVar variation 1067261 (VCV001067261.8), dbSNP rs2102135936, ClinGen allele CA344112764.
Genomic context (GRCh38, chr1:201,072,826, plus strand): 5'-GCTGAGGGGTAGGGATCCTTCACCTCATTGACATTAGATTCAAACTCATCGATTTTCAGC[T>C]GTAGGAAGGAACACAATGACTATAACAATGAAAAAGAAGTTGCGGTTTCCCCTCAATGAG-3'

ClinVar aggregate classification (germline): Conflicting classifications of pathogenicity. Review status: criteria provided, conflicting classifications (1 of 4 stars). 2 submissions from 2 submitters: Likely pathogenic (1); Uncertain significance (1). Last evaluated 2023-05-04.

Conditions:
Hypokalemic periodic paralysis, type 1. Also called: HypoPP; Hypokalemic Periodic Paralysis Type 1 (AD). Identifiers: Orphanet 681, MedGen C3714580, MONDO:0042979, OMIM 170400.
Malignant hyperthermia, susceptibility to, 5 (MHS5). Also called: CACNA1S-Related Malignant Hyperthermia Susceptibility. Identifiers: Orphanet 423, MedGen C1866077, MONDO:0011163, OMIM 601887.

Allele frequency attached by ClinVar (database versions not stated): gnomAD exomes below 0.00001.
gnomAD v4.1: 1 of 1,612,794 alleles (0.000062%); highest among the groups gnomAD compares: Non-Finnish European, 0.000085%; no homozygotes.

Submissions (2):

All of Us Research Program, National Institutes of Health
Classification: Uncertain significance for Malignant hyperthermia, susceptibility to, 5. Last evaluated: 2023-05-04. Review status: criteria provided, single submitter. Criteria: ACMG Guidelines, 2015. Collection method: clinical testing. Allele origin: germline. Inheritance: Autosomal dominant inheritance. Observed: 1 variant allele, 1 heterozygote.
Comment: This variant causes an A to G nucleotide substitution at the -2 position of intron 15 of the CACNA1S gene. Splice site prediction tools suggest that this variant may have a significant impact on RNA splicing. Although this prediction has not been confirmed in published RNA studies, this variant is expected to result in an absent or disrupted protein product. This variant has not been reported in individuals affected with CACNA1S-related disorders in the literature. This variant has not been identified in the general population by the Genome Aggregation Database (gnomAD). Loss of CACNA1S gene function due to haploinsufficiency is not an established disease mechanism for autosomal dominant malignant hyperthermia, although it is associated with other phenotype(s) (ClinVar Variation ID: 1054782). Due to insufficient evidence, this variant is classified as a Variant of Uncertain Significance for autosomal dominant malignant hyperthermia.

This study involves interpretation of variants in research participants for the purpose of population health screening. Participant phenotype was not available at the time of variant classification. Additional details can be found in publication PMID: 35346344, PMCID: PMC8962531

Labcorp Genetics (formerly Invitae), Labcorp
Classification: Likely pathogenic for Hypokalemic periodic paralysis, type 1; Malignant hyperthermia, susceptibility to, 5. Last evaluated: 2022-03-18. Review status: criteria provided, single submitter. Criteria: Invitae Variant Classification Sherloc (09022015). Collection method: clinical testing. Allele origin: germline.
Comment: This sequence change affects an acceptor splice site in intron 15 of the CACNA1S gene. It is expected to disrupt RNA splicing. Variants that disrupt the donor or acceptor splice site typically lead to a loss of protein function (PMID: 16199547), and loss-of-function variants in CACNA1S are known to be pathogenic (PMID: 26247046, 28012042). This variant is not present in population databases (gnomAD no frequency). This variant has not been reported in the literature in individuals affected with CACNA1S-related conditions. ClinVar contains an entry for this variant (Variation ID: 1067261). Algorithms developed to predict the effect of sequence changes on RNA splicing suggest that this variant may disrupt the consensus splice site. In summary, the currently available evidence indicates that the variant is pathogenic, but additional data are needed to prove that conclusively. Therefore, this variant has been classified as Likely Pathogenic.

Literature cited by the submitters: PubMed 16199547 (cited by Labcorp Genetics (formerly Invitae), Labcorp); PubMed 26247046 (cited by Labcorp Genetics (formerly Invitae), Labcorp); PubMed 28012042 (cited by Labcorp Genetics (formerly Invitae), Labcorp).